The following is an entry in ClinVar:

ClinVar aggregate classification (germline): Uncertain significance (1 of 4 stars; one submission).

Submission:

GeneDx
Classification: Uncertain significance. Last evaluated: 2026-04-21. Review status: criteria provided, single submitter. Criteria: GeneDx Variant Classification Process June 2021. Collection method: clinical testing. Allele origin: germline.
Comment: Frameshift variant predicted to result in protein truncation or nonsense mediated decay in a gene or region of a gene for which loss of function is not a well-established mechanism of disease; Not observed at significant frequency in large population cohorts (gnomAD); Has not been previously published as pathogenic or benign to our knowledge

NM_001394062.1(MACF1):c.19254dup (p.Gln6419fs)

Gene: MACF1 (microtubule actin crosslinking factor 1; plus strand). Cytogenetic location: 1p34.3.
Variant type: Duplication.
Coding change: c.19254dup on transcript NM_001394062.1 (MANE Select); coding-DNA position 19254, one base duplicated (A; older notation c.19254dupA).
Protein change: p.Gln6419fs; shifts the reading frame from glutamine 6419.
Molecular consequence: frameshift variant.
Genome position (GRCh38, 1-based): chr1:39,442,863, A duplicated. VCF-style (leftmost placement, unchanged base first): chr1-39442862-T-TA. GRCh37 (hg19) VCF-style: chr1-39908534-T-TA.
Other names: c.7332dup, p.Gln2445fs (NM_001397473.1); c.13077dup, p.Gln4360fs (NM_012090.5); short protein forms Q2445fs, Q4360fs, Q6419fs.
Identifiers: ClinVar variation 2430471 (VCV002430471.2), dbSNP rs2523179261, ClinGen allele CA2580062716.